The following is an entry in ClinVar:

NM_000297.4(PKD2):c.826A>G (p.Met276Val)

Gene: PKD2 (polycystin 2, transient receptor potential cation channel; plus strand). Cytogenetic location: 4q22.1.
Variant type: single nucleotide variant.
Coding change: c.826A>G on transcript NM_000297.4 (MANE Select); coding-DNA position 826, A replaced by G.
Protein change: p.Met276Val; replaces methionine 276 with valine.
Molecular consequence: missense variant. On other transcripts: non-coding transcript variant (1).
Genome position (GRCh38, 1-based): chr4:88,036,336, A>G. VCF-style: chr4-88036336-A-G. GRCh37 (hg19) VCF-style: chr4-88957488-A-G.
Other names: c.826A>G (NM_000297.3); short protein forms M276V.
Identifiers: ClinVar variation 2188227 (VCV002188227.6), dbSNP rs745604753, ClinGen allele CA3003811.
Genomic context (GRCh38, chr4:88,036,336, plus strand): 5'-CTCTTCCTAGACACCCCCGTGTCCAAAACGGAGAAAACTAACTTTAAAACTCTGTCTTCC[A>G]TGGAAGACTTCTGGAAGGTATTTGCAAATAACTTTGAAAGTACCTCTCTATCACAGAAAA-3'
Protein context (NP_000288.1, residues 266-286): EKTNFKTLSS[Met276Val]EDFWKFTEGS

ClinVar aggregate classification (germline): Uncertain significance. Review status: criteria provided, multiple submitters, no conflicts (2 of 4 stars). 3 submissions from 3 submitters: Uncertain significance (2). 1 of the submissions does not count toward it. Last evaluated 2025-03-18.

Conditions:
PKD2-related disorder. Also called: PKD2-related condition.
Autosomal dominant polycystic kidney disease. Identifiers: Orphanet 730, MedGen C0085413, MONDO:0004691.
Polycystic kidney disease 2 (PKD2). Also called: Polycystic Kidney Disease 2, Autosomal Dominant; POLYCYSTIC KIDNEY DISEASE, ADULT, TYPE II; POLYCYSTIC KIDNEY DISEASE 2 WITH OR WITHOUT POLYCYSTIC LIVER DISEASE. Identifiers: MedGen C2751306, MONDO:0013131, OMIM 613095.

Allele frequency attached by ClinVar (database versions not stated): gnomAD 0.00001; gnomAD exomes 0.00001; ExAC 0.00002; TOPMed 0.00002.
gnomAD v4.1: 16 of 1,613,776 alleles (0.00099%); highest among the groups gnomAD compares: Admixed American, 0.005%; no homozygotes.

Submissions (3):

Labcorp Genetics (formerly Invitae), Labcorp
Classification: Uncertain significance for Autosomal dominant polycystic kidney disease. Last evaluated: 2025-03-18. Review status: criteria provided, single submitter. Criteria: Invitae Variant Classification Sherloc (09022015). Collection method: clinical testing. Allele origin: germline.
Comment: This sequence change replaces methionine, which is neutral and non-polar, with valine, which is neutral and non-polar, at codon 276 of the PKD2 protein (p.Met276Val). This variant is present in population databases (rs745604753, gnomAD 0.03%). This variant has not been reported in the literature in individuals affected with PKD2-related conditions. ClinVar contains an entry for this variant (Variation ID: 2188227). Invitae Evidence Modeling of protein sequence and biophysical properties (such as structural, functional, and spatial information, amino acid conservation, physicochemical variation, residue mobility, and thermodynamic stability) indicates that this missense variant is not expected to disrupt PKD2 protein function with a negative predictive value of 80%. In summary, the available evidence is currently insufficient to determine the role of this variant in disease. Therefore, it has been classified as a Variant of Uncertain Significance.

Fulgent Genetics
Classification: Uncertain significance for Polycystic kidney disease 2. Last evaluated: 2024-02-15. Review status: criteria provided, single submitter. Criteria: ACMG Guidelines, 2015. Collection method: clinical testing. Allele origin: germline.

PreventionGenetics, part of Exact Sciences
Classification: Uncertain significance for PKD2-related condition. Last evaluated: 2024-09-11. Review status: no assertion criteria provided. Collection method: clinical testing. Allele origin: germline. Not counted in ClinVar's aggregate classification.
Comment: The PKD2 c.826A>G variant is predicted to result in the amino acid substitution p.Met276Val. To our knowledge, this variant has not been reported in the literature. This variant is reported in 0.019% of alleles in individuals of Ashkenazi Jewish descent in gnomAD. At this time, the clinical significance of this variant is uncertain due to the absence of conclusive functional and genetic evidence.